The following is an entry in ClinVar:

ClinVar aggregate classification (germline): Pathogenic (1 of 4 stars; one submission).

Conditions:
Mitochondrial trifunctional protein deficiency. Identifiers: Orphanet 746, MedGen C1969443, MONDO:0012172.

Submission:

Labcorp Genetics (formerly Invitae), Labcorp
Classification: Pathogenic for Mitochondrial trifunctional protein deficiency. Last evaluated: 2023-10-22. Review status: criteria provided, single submitter. Criteria: Invitae Variant Classification Sherloc (09022015). Collection method: clinical testing. Allele origin: germline.
Comment: This variant is a gross deletion of the genomic region encompassing exon(s) 14-15 of the HADHB gene. This variant would be expected to be in-frame, preserving the integrity of the reading frame. This variant has not been reported in the literature in individuals affected with HADHB-related conditions. This variant disrupts a region of the HADHB protein in which other variant(s) (p.Asn389Asp) have been determined to be pathogenic (PMID: 17143551, 21549624, 24664533). This suggests that this is a clinically significant region of the protein, and that variants that disrupt it are likely to be disease-causing. For these reasons, this variant has been classified as Pathogenic.

Literature cited by the submitters: PubMed 17143551; PubMed 21549624; PubMed 24664533.

NC_000002.11:g.(?_26507731)_(26508459_?)del

Gene: HADHB (hydroxyacyl-CoA dehydrogenase trifunctional multienzyme complex subunit beta; plus strand). Cytogenetic location: 2p23.3.
Variant type: Deletion.
Identifiers: ClinVar variation 1066626 (VCV001066626.3).